The following is an entry in ClinVar:

ClinVar aggregate classification (germline): Uncertain significance. Review status: criteria provided, multiple submitters, no conflicts (2 of 4 stars). 2 submissions from 2 submitters: Uncertain significance (2). Last evaluated 2025-09-10.

Conditions:
Inborn genetic diseases. Identifiers: MedGen C0950123, MeSH D030342.
Vici syndrome (VICIS). Identifiers: Orphanet 1493, MedGen C1855772, MONDO:0009452, OMIM 242840.

Allele frequency attached by ClinVar (database versions not stated): gnomAD exomes below 0.00001 and 0.00001; ExAC 0.00001; gnomAD 0.00003; TOPMed 0.00004; ESP Exome Variant Server 0.00008.
gnomAD v4.1: 5 of 1,607,134 alleles (0.00031%); highest among the groups gnomAD compares: African/African-American, 0.0067%; no homozygotes.

Submissions (2):

Ambry Genetics
Classification: Uncertain significance for Inborn genetic diseases. Last evaluated: 2025-09-10. Review status: criteria provided, single submitter. Criteria: Ambry Variant Classification Scheme 2023. Collection method: clinical testing. Allele origin: germline.

Labcorp Genetics (formerly Invitae), Labcorp
Classification: Uncertain significance for Vici syndrome. Last evaluated: 2022-02-05. Review status: criteria provided, single submitter. Criteria: Invitae Variant Classification Sherloc (09022015). Collection method: clinical testing. Allele origin: germline.
Comment: This sequence change replaces glutamine, which is neutral and polar, with arginine, which is basic and polar, at codon 332 of the EPG5 protein (p.Gln332Arg). This variant is present in population databases (rs374633337, gnomAD 0.02%). This variant has not been reported in the literature in individuals affected with EPG5-related conditions. ClinVar contains an entry for this variant (Variation ID: 661295). Algorithms developed to predict the effect of missense changes on protein structure and function are either unavailable or do not agree on the potential impact of this missense change (SIFT: "Tolerated"; PolyPhen-2: "Possibly Damaging"; Align-GVGD: "Class C0"). In summary, the available evidence is currently insufficient to determine the role of this variant in disease. Therefore, it has been classified as a Variant of Uncertain Significance.

NM_020964.3(EPG5):c.995A>G (p.Gln332Arg)

Gene: EPG5 (ectopic P-granules 5 autophagy tethering factor; minus strand). Cytogenetic location: 18q21.1.
Variant type: single nucleotide variant.
Coding change: c.995A>G on transcript NM_020964.3 (MANE Select); coding-DNA position 995, A replaced by G.
Protein change: p.Gln332Arg; replaces glutamine 332 with arginine.
Molecular consequence: missense variant.
Genome position (GRCh38, 1-based): chr18:45,954,407, T>C on the plus strand (A>G on the coding strand, the complement: EPG5 is on the minus strand). VCF-style: chr18-45954407-T-C. GRCh37 (hg19) VCF-style: chr18-43534373-T-C.
Other names: c.995A>G, p.Gln332Arg (LRG_1234t1); short protein forms Q332R.
Identifiers: ClinVar variation 661295 (VCV000661295.10), dbSNP rs374633337, ClinGen allele CA8949856.
Genomic context (GRCh38, chr18:45,954,407, plus strand): 5'-GGAATAGCAGCTCCGCTGCAAATTCCCCAGGCTTCTGATCAAAATACCTGTACAGACATT[T>C]GTTCCTCCTTAAACTGCCACAGCCGACTTTTAGCATTTTGGCAATCAGATGTCAGAGTAA-3'
Protein context (NP_066015.2, residues 322-342): KSRLWQFKEE[Gln332Arg]MSVQGICADQ